The following is an entry in ClinVar:

NM_001018005.2(TPM1):c.273C>T (p.Arg91=)

Gene: TPM1 (tropomyosin 1; plus strand). Cytogenetic location: 15q22.2.
Variant type: single nucleotide variant.
Coding change: c.273C>T on transcript NM_001018005.2 (MANE Select); coding-DNA position 273, C replaced by T.
Protein change: p.Arg91=; no amino-acid change (arginine 91 retained).
Molecular consequence: synonymous variant.
Genome position (GRCh38, 1-based): chr15:63,057,017, C>T. VCF-style: chr15-63057017-C-T. GRCh37 (hg19) VCF-style: chr15-63349216-C-T.
Other names: c.273C>T, p.Arg91= (NM_000366.6, NM_001018004.2, NM_001018006.2 and 6 more transcripts); c.165C>T, p.Arg55= (NM_001018008.2, NM_001301289.2, NM_001330344.2 and 5 more transcripts); c.399C>T, p.Arg133= (NM_001365778.1).
Identifiers: ClinVar variation 920110 (VCV000920110.13), dbSNP rs1400074860, ClinGen allele CA490692892.

ClinVar aggregate classification (germline): Likely benign. Review status: criteria provided, multiple submitters, no conflicts (2 of 4 stars). 4 submissions from 4 submitters: Likely benign (4). Last evaluated 2025-03-30.

Conditions:
Cardiomyopathy (CMYO). Also called: Cardiomyopathies. Identifiers: Orphanet 167848, MedGen C0878544, MONDO:0004994, HP:0001638. Inheritance: Various modes of inheritance.
Cardiovascular phenotype. Identifiers: MedGen CN230736.
Hypertrophic cardiomyopathy. Also called: HYPERTROPHIC MYOCARDIOPATHY. Identifiers: Orphanet 217569, MedGen C0007194, MeSH D002312, MONDO:0005045, HP:0001639.

Allele frequency attached by ClinVar (database versions not stated): gnomAD 0.00001; TOPMed 0.00001.
gnomAD v4.1: 16 of 1,614,128 alleles (0.00099%); highest among the groups gnomAD compares: Non-Finnish European, 0.0013%; no homozygotes.

Submissions (4):

Labcorp Genetics (formerly Invitae), Labcorp
Classification: Likely benign for Hypertrophic cardiomyopathy. Last evaluated: 2025-03-30. Review status: criteria provided, single submitter. Criteria: Invitae Variant Classification Sherloc (09022015). Collection method: clinical testing. Allele origin: germline.

All of Us Research Program, National Institutes of Health
Classification: Likely benign for Hypertrophic cardiomyopathy. Last evaluated: 2023-08-15. Review status: criteria provided, single submitter. Criteria: ACMG Guidelines, 2015. Collection method: clinical testing. Allele origin: germline. Inheritance: Autosomal dominant inheritance. Observed: 1 variant allele, 1 heterozygote.
Comment: This study involves interpretation of variants in research participants for the purpose of population health screening. Participant phenotype was not available at the time of variant classification. Additional details can be found in publication PMID: 35346344, PMCID: PMC8962531

Ambry Genetics
Classification: Likely benign for Cardiovascular phenotype. Last evaluated: 2019-10-22. Review status: criteria provided, single submitter. Criteria: Ambry Variant Classification Scheme 2023. Collection method: clinical testing. Allele origin: germline.

Color Diagnostics, LLC DBA Color Health
Classification: Likely benign for Cardiomyopathy. Last evaluated: 2019-02-10. Review status: criteria provided, single submitter. Criteria: ACMG Guidelines, 2015. Collection method: clinical testing. Allele origin: germline.